The following is an entry in ClinVar:

ClinVar aggregate classification (germline): Uncertain significance (1 of 4 stars; one submission).

Submission:

Ambry Genetics
Classification: Uncertain significance. Last evaluated: 2026-08-10. Review status: criteria provided, single submitter. Criteria: Ambry Variant Classification Scheme 2023. Collection method: clinical testing. Allele origin: germline.
Comment: The p.S1466P variant (also known as c.4396T>C), located in coding exon 14 of the CDK12 gene, results from a T to C substitution at nucleotide position 4396. The serine at codon 1466 is replaced by proline, an amino acid with similar properties. This amino acid position is conserved. In addition, this alteration is predicted to be tolerated by in silico analysis. Based on the available evidence, the clinical significance of this variant remains unclear.

NM_016507.4(CDK12):c.4396T>C (p.Ser1466Pro)

Gene: CDK12 (cyclin dependent kinase 12; plus strand). Cytogenetic location: 17q12.
Variant type: single nucleotide variant.
Coding change: c.4396T>C on transcript NM_016507.4 (MANE Select); coding-DNA position 4396, T replaced by C.
Protein change: p.Ser1466Pro; replaces serine 1466 with proline.
Molecular consequence: missense variant.
Genome position (GRCh38, 1-based): chr17:39,531,239, T>C. VCF-style: chr17-39531239-T-C. GRCh37 (hg19) VCF-style: chr17-37687492-T-C.
Other names: c.4369T>C, p.Ser1457Pro (NM_015083.4); short protein forms S1457P, S1466P.
Identifiers: ClinVar variation 5034144 (VCV005034144.1).